The following is an entry in ClinVar:

NM_015215.4(CAMTA1):c.878G>A (p.Arg293Gln)

Gene: CAMTA1 (calmodulin binding transcription activator 1; plus strand). Cytogenetic location: 1p36.23.
Variant type: single nucleotide variant.
Coding change: c.878G>A on transcript NM_015215.4 (MANE Select); coding-DNA position 878, G replaced by A.
Protein change: p.Arg293Gln; replaces arginine 293 with glutamine.
Molecular consequence: missense variant.
Genome position (GRCh38, 1-based): chr1:7,663,425, G>A. VCF-style: chr1-7663425-G-A. GRCh37 (hg19) VCF-style: chr1-7723485-G-A.
Other names: c.878G>A (NM_015215.2); c.788G>A, p.Arg263Gln (NM_001349608.2, NM_001349612.2); c.878G>A, p.Arg293Gln (NM_001349609.2, NM_001349610.2); short protein forms R293Q, R263Q.
Identifiers: ClinVar variation 501513 (VCV000501513.12), dbSNP rs753954585, ClinGen allele CA566314.

ClinVar aggregate classification (germline): Conflicting classifications of pathogenicity. Review status: criteria provided, conflicting classifications (1 of 4 stars). 4 submissions from 4 submitters: Uncertain significance (2); Likely benign (2). Last evaluated 2026-09-01.

Conditions:
Inborn genetic diseases. Identifiers: MedGen C0950123, MeSH D030342.

Allele frequency attached by ClinVar (database versions not stated): gnomAD exomes 0.00004 and 0.00012; ExAC 0.00005; TOPMed 0.00039; gnomAD 0.00041 and 0.00043.
gnomAD v4.1: 115 of 1,566,632 alleles (0.0073%); highest among the groups gnomAD compares: Admixed American, 0.18%; no homozygotes.

Submissions (4):

CeGaT Center for Human Genetics Tuebingen
Classification: Likely benign. Last evaluated: 2026-09-01. Review status: criteria provided, single submitter. Criteria: CeGaT Center For Human Genetics Tuebingen Variant Classification Criteria Version 2. Collection method: clinical testing. Allele origin: germline. Affected: yes. Observed: 4 variant alleles.
Comment: CAMTA1: BS1

Labcorp Genetics (formerly Invitae), Labcorp
Classification: Uncertain significance. Last evaluated: 2025-04-22. Review status: criteria provided, single submitter. Criteria: Invitae Variant Classification Sherloc (09022015). Collection method: clinical testing. Allele origin: germline.
Comment: This sequence change replaces arginine, which is basic and polar, with glutamine, which is neutral and polar, at codon 293 of the CAMTA1 protein (p.Arg293Gln). The frequency data for this variant in the population databases is considered unreliable, as metrics indicate poor data quality at this position in the gnomAD database. This variant has not been reported in the literature in individuals affected with CAMTA1-related conditions. ClinVar contains an entry for this variant (Variation ID: 501513). Invitae Evidence Modeling of protein sequence and biophysical properties (such as structural, functional, and spatial information, amino acid conservation, physicochemical variation, residue mobility, and thermodynamic stability) indicates that this missense variant is not expected to disrupt CAMTA1 protein function with a negative predictive value of 80%. In summary, the available evidence is currently insufficient to determine the role of this variant in disease. Therefore, it has been classified as a Variant of Uncertain Significance.

Ambry Genetics
Classification: Likely benign for Inborn genetic diseases. Last evaluated: 2022-05-16. Review status: criteria provided, single submitter. Criteria: Ambry Variant Classification Scheme 2023. Collection method: clinical testing. Allele origin: germline.

Eurofins Ntd Llc (ga)
Classification: Uncertain significance. Last evaluated: 2017-04-18. Review status: criteria provided, single submitter. Criteria: EGL Classification Definitions 2015. Collection method: clinical testing. Allele origin: germline. Observed: 1 variant allele, 1 heterozygote.